The following is an entry in ClinVar:

NM_002691.4(POLD1):c.1372_1377del (p.Asp458_Met459del)

Gene: POLD1 (DNA polymerase delta 1, catalytic subunit; plus strand). Cytogenetic location: 19q13.33.
Variant type: Deletion.
Coding change: c.1372_1377del on transcript NM_002691.4 (MANE Select); coding-DNA positions 1372 to 1377, 6 bases deleted (GACATG; older notation c.1372_1377delGACATG).
Protein change: p.Asp458_Met459del.
Molecular consequence: inframe deletion. On other transcripts: non-coding transcript variant (1).
Genome position (GRCh38, 1-based): chr19:50,406,311-50,406,316, GACATG deleted; deleting any 6 consecutive bases within chr19:50,406,308-50,406,316 gives the same sequence; the c. name uses the placement nearest the transcript's 3' end. VCF-style (leftmost placement, unchanged base first): chr19-50406307-GATGGAC-G. GRCh37 (hg19) VCF-style: chr19-50909564-GATGGAC-G.
Other names: c.1372_1377del, p.Asp458_Met459del (NM_001256849.1, NM_001308632.1).
Identifiers: ClinVar variation 1771064 (VCV001771064.5), dbSNP rs1381524008, ClinGen allele CA883189862.

ClinVar aggregate classification (germline): Uncertain significance. Review status: criteria provided, multiple submitters, no conflicts (2 of 4 stars). 2 submissions from 2 submitters: Uncertain significance (2). Last evaluated 2024-12-19.

Conditions:
POLD1-related polyposis and colorectal cancer syndrome (CRCS10). Also called: COLORECTAL CANCER, SUSCEPTIBILITY TO, ON CHROMOSOME 19q; Colorectal cancer 10; Colorectal cancer, susceptibility to, 10. Identifiers: Orphanet 220460, MedGen C2675481, MONDO:0012953, OMIM 612591.
Hereditary cancer-predisposing syndrome. Also called: Neoplastic Syndromes, Hereditary; Tumor predisposition; Hereditary neoplastic syndrome; Hereditary Cancer Syndrome. Identifiers: Orphanet 140162, MedGen C0027672, MeSH D009386, MONDO:0015356.

Submissions (2):

Ambry Genetics
Classification: Uncertain significance for Hereditary cancer-predisposing syndrome. Last evaluated: 2024-12-19. Review status: criteria provided, single submitter. Criteria: Ambry Variant Classification Scheme 2023. Collection method: clinical testing. Allele origin: germline.
Comment: The c.1372_1377delGACATG variant (also known as p.D458_M459del), located in coding exon 10 of the POLD1 gene. This variant results from an in-frame deletion of 6 nucleotides at positions 1372 to 1377. This results in the deletion of 2 amino acids between codons 458 and 459. This amino acid position is not well conserved in available vertebrate species. In addition, this alteration is predicted to be deleterious by in silico analysis (Choi Y et al. PLoS ONE. 2012;7:e46688). Since supporting evidence is limited at this time, the clinical significance of this alteration remains unclear.

Labcorp Genetics (formerly Invitae), Labcorp
Classification: Uncertain significance for POLD1-related polyposis and colorectal cancer syndrome. Last evaluated: 2024-02-18. Review status: criteria provided, single submitter. Criteria: Invitae Variant Classification Sherloc (09022015). Collection method: clinical testing. Allele origin: germline.
Comment: This variant, c.1372_1377del, results in the deletion of 2 amino acid(s) of the POLD1 protein (p.Asp458_Met459del), but otherwise preserves the integrity of the reading frame. This variant is not present in population databases (gnomAD no frequency). This variant has not been reported in the literature in individuals affected with POLD1-related conditions. ClinVar contains an entry for this variant (Variation ID: 1771064). Experimental studies and prediction algorithms are not available or were not evaluated, and the functional significance of this variant is currently unknown. In summary, the available evidence is currently insufficient to determine the role of this variant in disease. Therefore, it has been classified as a Variant of Uncertain Significance.